The following is an entry in ClinVar:

ClinVar aggregate classification (germline): Uncertain significance. Review status: criteria provided, multiple submitters, no conflicts (2 of 4 stars). 4 submissions from 4 submitters: Uncertain significance (4). Last evaluated 2022-10-26.

Conditions:
Landau-Kleffner syndrome (FESD). Also called: EPILEPSY, FOCAL, WITH SPEECH DISORDER AND WITH OR WITHOUT MENTAL RETARDATION; APHASIA, ACQUIRED, WITH EPILEPSY. Identifiers: Orphanet 1945, Orphanet 725, Orphanet 98818, MedGen C0282512, MONDO:0009509, OMIM 245570.

Allele frequency attached by ClinVar (database versions not stated): TOPMed below 0.00001; ExAC 0.00001; gnomAD 0.00001.
gnomAD v4.1: 8 of 1,614,092 alleles (0.0005%); highest among the groups gnomAD compares: Non-Finnish European, 0.00068%; no homozygotes.

Submissions (4):

GeneDx
Classification: Uncertain significance. Last evaluated: 2022-10-26. Review status: criteria provided, single submitter. Criteria: GeneDx Variant Classification Process June 2021. Collection method: clinical testing. Allele origin: germline. Affected: yes.
Comment: Not observed at significant frequency in large population cohorts (gnomAD); In silico analysis supports that this missense variant does not alter protein structure/function; Has not been previously published as pathogenic or benign to our knowledge

Baylor Genetics
Classification: Uncertain significance for Landau-Kleffner syndrome. Last evaluated: 2022-09-22. Review status: criteria provided, single submitter. Criteria: ACMG Guidelines, 2015. Collection method: clinical testing. Allele origin: unknown.

Blueprint Genetics
Classification: Uncertain significance. Last evaluated: 2021-11-10. Review status: criteria provided, single submitter. Criteria: ACMG Guidelines, 2015. Collection method: clinical testing. Allele origin: germline.

Wangler Lab, Baylor College of Medicine
Classification: Uncertain significance for Landau-Kleffner syndrome. Review status: criteria provided, single submitter. Criteria: ACMG Guidelines, 2015. Collection method: clinical testing. Allele origin: paternal. Inheritance: Autosomal dominant inheritance. Affected: yes. Observed: 1 heterozygote.
Comment: The missense GRIN2A variant at c.2748C>G (p.D916E) was seen on exome through the Texome project (R01HG011795). It has been observed in gnomAD with a frequency of <0.001%. This variant has an inconclusive theoretical prediction score (CADD: 13.740). The evolutionary conservation of this residue is high. We classify this variant as VUS.

NM_001134407.3(GRIN2A):c.2748C>G (p.Asp916Glu)

Gene: GRIN2A (glutamate ionotropic receptor NMDA type subunit 2A; minus strand). Cytogenetic location: 16p13.2.
Variant type: single nucleotide variant.
Coding change: c.2748C>G on transcript NM_001134407.3 (MANE Select); coding-DNA position 2748, C replaced by G.
Protein change: p.Asp916Glu; replaces aspartic acid 916 with glutamic acid.
Molecular consequence: missense variant.
Genome position (GRCh38, 1-based): chr16:9,764,796, G>C on the plus strand (C>G on the coding strand, the complement: GRIN2A is on the minus strand). VCF-style: chr16-9764796-G-C. GRCh37 (hg19) VCF-style: chr16-9858653-G-C.
Other names: c.2748C>G (NM_000833.3); c.2748C>G, p.Asp916Glu (NM_000833.5, NM_001134408.2); short protein forms D916E.
Identifiers: ClinVar variation 1712485 (VCV001712485.5), dbSNP rs533512756, ClinGen allele CA7896429.